The following is an entry in ClinVar:

NM_007126.5(VCP):c.555A>C (p.Glu185Asp)

Gene: VCP (valosin containing protein; minus strand). Cytogenetic location: 9p13.3.
Variant type: single nucleotide variant.
Coding change: c.555A>C on transcript NM_007126.5 (MANE Select); coding-DNA position 555, A replaced by C.
Protein change: p.Glu185Asp; replaces glutamic acid 185 with aspartic acid.
Molecular consequence: missense variant.
Genome position (GRCh38, 1-based): chr9:35,065,272, T>G on the plus strand (A>C on the coding strand, the complement: VCP is on the minus strand). VCF-style: chr9-35065272-T-G. GRCh37 (hg19) VCF-style: chr9-35065269-T-G.
Other names: c.420A>C, p.Glu140Asp (NM_001354927.2, NM_001354928.2); short protein forms E185D, E140D.
Identifiers: ClinVar variation 594970 (VCV000594970.7), dbSNP rs1333833979, ClinGen allele CA373288786.

ClinVar aggregate classification (germline): Uncertain significance. Review status: criteria provided, multiple submitters, no conflicts (2 of 4 stars). 2 submissions from 2 submitters: Uncertain significance (2). Last evaluated 2024-09-30.

Conditions:
Inclusion body myopathy with Paget disease of bone and frontotemporal dementia. Also called: Inclusion body myopathy with early-onset Paget disease and frontotemporal dementia. Identifiers: Orphanet 52430, MedGen C1833662, MONDO:0000507.
Frontotemporal dementia and/or amyotrophic lateral sclerosis 6 (FTDALS6). Also called: VCP-Related Amyotrophic Lateral Sclerosis; VCP-Related Amyotrophic Lateral Sclerosis/Frontotemporal Dementia. Identifiers: Orphanet 275872, Orphanet 803, MedGen C5436279, MONDO:0013501, OMIM 613954.

Allele frequency attached by ClinVar (database versions not stated): gnomAD below 0.00001 and 0.00001; gnomAD exomes below 0.00001 and 0.00002.
gnomAD v4.1: 8 of 1,614,080 alleles (0.0005%); highest among the groups gnomAD compares: East Asian, 0.0067%; no homozygotes.

Submissions (2):

Labcorp Genetics (formerly Invitae), Labcorp
Classification: Uncertain significance for Inclusion body myopathy with Paget disease of bone and frontotemporal dementia; Frontotemporal dementia and/or amyotrophic lateral sclerosis 6. Last evaluated: 2024-09-30. Review status: criteria provided, single submitter. Criteria: Invitae Variant Classification Sherloc (09022015). Collection method: clinical testing. Allele origin: germline.
Comment: This sequence change replaces glutamic acid, which is acidic and polar, with aspartic acid, which is acidic and polar, at codon 185 of the VCP protein (p.Glu185Asp). This variant is present in population databases (no rsID available, gnomAD 0.01%). This missense change has been observed in individual(s) with VCP-related conditions (PMID: 34275688). ClinVar contains an entry for this variant (Variation ID: 594970). Invitae Evidence Modeling of protein sequence and biophysical properties (such as structural, functional, and spatial information, amino acid conservation, physicochemical variation, residue mobility, and thermodynamic stability) indicates that this missense variant is not expected to disrupt VCP protein function with a negative predictive value of 80%. This variant disrupts the p.Glu185 amino acid residue in VCP. Other variant(s) that disrupt this residue have been determined to be pathogenic (PMID: 25125609). This suggests that this residue is clinically significant, and that variants that disrupt this residue are likely to be disease-causing. In summary, the available evidence is currently insufficient to determine the role of this variant in disease. Therefore, it has been classified as a Variant of Uncertain Significance.

Eurofins Ntd Llc (ga)
Classification: Uncertain significance. Last evaluated: 2017-11-17. Review status: criteria provided, single submitter. Criteria: EGL Classification Definitions 2015. Collection method: clinical testing. Allele origin: germline. Observed: 1 variant allele, 1 heterozygote.

Literature cited by the submitters: PubMed 34275688 (cited by Labcorp Genetics (formerly Invitae), Labcorp); PubMed 25125609 (cited by Labcorp Genetics (formerly Invitae), Labcorp).